The following is an entry in ClinVar:

ClinVar aggregate classification (germline): Uncertain significance. Review status: criteria provided, multiple submitters, no conflicts (2 of 4 stars). 2 submissions from 2 submitters: Uncertain significance (2). Last evaluated 2025-01-20.

Conditions:
Inborn genetic diseases. Identifiers: MedGen C0950123, MeSH D030342.

Allele frequency attached by ClinVar (database versions not stated): gnomAD 0.00002; ExAC 0.00006; gnomAD exomes 0.00006; ESP Exome Variant Server 0.00015.

Submissions (2):

Labcorp Genetics (formerly Invitae), Labcorp
Classification: Uncertain significance. Last evaluated: 2025-01-20. Review status: criteria provided, single submitter. Criteria: Invitae Variant Classification Sherloc (09022015). Collection method: clinical testing. Allele origin: germline.
Comment: This sequence change replaces glycine, which is neutral and non-polar, with glutamic acid, which is acidic and polar, at codon 195 of the FREM2 protein (p.Gly195Glu). This variant is present in population databases (rs375103372, gnomAD 0.01%). This variant has not been reported in the literature in individuals affected with FREM2-related conditions. ClinVar contains an entry for this variant (Variation ID: 2347611). Invitae Evidence Modeling of protein sequence and biophysical properties (such as structural, functional, and spatial information, amino acid conservation, physicochemical variation, residue mobility, and thermodynamic stability) indicates that this missense variant is expected to disrupt FREM2 protein function with a positive predictive value of 80%. In summary, the available evidence is currently insufficient to determine the role of this variant in disease. Therefore, it has been classified as a Variant of Uncertain Significance.

Ambry Genetics
Classification: Uncertain significance for Inborn genetic diseases. Last evaluated: 2022-06-06. Review status: criteria provided, single submitter. Criteria: Ambry Variant Classification Scheme 2023. Collection method: clinical testing. Allele origin: germline.

NM_207361.6(FREM2):c.584G>A (p.Gly195Glu)

Gene: FREM2 (FRAS1 related extracellular matrix 2; plus strand). Cytogenetic location: 13q13.3.
Variant type: single nucleotide variant.
Coding change: c.584G>A on transcript NM_207361.6 (MANE Select); coding-DNA position 584, G replaced by A.
Protein change: p.Gly195Glu; replaces glycine 195 with glutamic acid.
Molecular consequence: missense variant.
Genome position (GRCh38, 1-based): chr13:38,687,928, G>A. VCF-style: chr13-38687928-G-A. GRCh37 (hg19) VCF-style: chr13-39262065-G-A.
Other names: short protein forms G195E.
Identifiers: ClinVar variation 2347611 (VCV002347611.4), dbSNP rs375103372, ClinGen allele CA6954238.